The following is an entry in ClinVar:

NM_004544.4(NDUFA10):c.749+284C>T

Gene: NDUFA10 (NADH:ubiquinone oxidoreductase subunit A10; minus strand). Cytogenetic location: 2q37.3.
Variant type: single nucleotide variant.
Coding change: c.749+284C>T on transcript NM_004544.4 (MANE Select); 284 bases into the intron after coding-DNA position 749, C replaced by T.
Molecular consequence: intron variant.
Genome position (GRCh38, 1-based): chr2:240,011,333, G>A on the plus strand (C>T on the coding strand, the complement: NDUFA10 is on the minus strand). VCF-style: chr2-240011333-G-A. GRCh37 (hg19) VCF-style: chr2-240950750-G-A.
Other names: c.749+284C>T (NM_001322020.2, NM_001322019.2).
Identifiers: ClinVar variation 673200 (VCV000673200.1), dbSNP rs113586907, ClinGen allele CA68059440.
Genomic context (GRCh38, chr2:240,011,333, plus strand): 5'-AACACGAATGTTTAGTTGCCACCTGAAGTAAAAATACACAAGTTCTCTATGGTAAAACCT[G>A]TCATGGAATAGAGCTTGGTTTACTTCTAGCATCAAAAAACTTCAGAAATATAGCAGAGCA-3'

ClinVar aggregate classification (germline): Benign (1 of 4 stars; one submission).

Allele frequency attached by ClinVar (database versions not stated): gnomAD 0.01810 and 0.01937; 1000 Genomes Project 0.01957; TOPMed 0.02035; 1000 Genomes Project 30x 0.02139.
gnomAD v4.1: 2,725 of 152,260 alleles (1.8%); highest among the groups gnomAD compares: African/African-American, 6.2%; 81 homozygotes.

Submission:

GeneDx
Classification: Benign. Last evaluated: 2018-06-14. Review status: criteria provided, single submitter. Criteria: GeneDx Variant Classification (06012015). Collection method: clinical testing. Allele origin: germline. Affected: yes.
Comment: This variant is considered likely benign or benign based on one or more of the following criteria: it is a conservative change, it occurs at a poorly conserved position in the protein, it is predicted to be benign by multiple in silico algorithms, and/or has population frequency not consistent with disease.